The following is an entry in ClinVar:

NM_001193451.2(TMTC1):c.588C>T (p.Phe196=)

Gene: TMTC1 (transmembrane O-mannosyltransferase targeting cadherins 1; minus strand). Cytogenetic location: 12p11.22.
Variant type: single nucleotide variant.
Coding change: c.588C>T on transcript NM_001193451.2 (MANE Select); coding-DNA position 588, C replaced by T.
Protein change: p.Phe196=; no amino-acid change (phenylalanine 196 retained).
Molecular consequence: synonymous variant.
Genome position (GRCh38, 1-based): chr12:29,755,852, G>A on the plus strand (C>T on the coding strand, the complement: TMTC1 is on the minus strand). VCF-style: chr12-29755852-G-A. GRCh37 (hg19) VCF-style: chr12-29908785-G-A.
Other names: c.588C>T, p.Phe196= (NM_001367875.2); c.264C>T, p.Phe88= (NM_175861.3).
Identifiers: ClinVar variation 3778427 (VCV003778427.7).
Genomic context (GRCh38, chr12:29,755,852, plus strand): 5'-CATCGCACAGGTCCCCAGAAACAAACTGAGCAGCAAGAAGAAGGGAGACACCGTGGAAGG[G>A]AAACTTCCCCCAACACAGCCCTGATCCAGACTCCTGAAAAACAAGTTGGAGATTCTTTTA-3'
Protein context (NP_001180380.1, residues 186-206): SLDQGCVGGS[Phe196=]PSTVSPFFLL

ClinVar aggregate classification (germline): Likely benign (1 of 4 stars; one submission).

Submission:

CeGaT Center for Human Genetics Tuebingen
Classification: Likely benign. Last evaluated: 2025-03-01. Review status: criteria provided, single submitter. Criteria: CeGaT Center For Human Genetics Tuebingen Variant Classification Criteria Version 2. Collection method: clinical testing. Allele origin: germline. Affected: yes. Observed: 1 variant allele.
Comment: TMTC1: PM2:Supporting, BP4, BP7